The following is an entry in ClinVar:

NM_000416.3(IFNGR1):c.155T>A (p.Ile52Asn)

Gene: IFNGR1 (interferon gamma receptor 1; minus strand). Cytogenetic location: 6q23.3.
Variant type: single nucleotide variant.
Coding change: c.155T>A on transcript NM_000416.3 (MANE Select); coding-DNA position 155, T replaced by A.
Protein change: p.Ile52Asn; replaces isoleucine 52 with asparagine.
Molecular consequence: missense variant.
Genome position (GRCh38, 1-based): chr6:137,207,008, A>T on the plus strand (T>A on the coding strand, the complement: IFNGR1 is on the minus strand). VCF-style: chr6-137207008-A-T. GRCh37 (hg19) VCF-style: chr6-137528145-A-T.
Other names: c.125T>A, p.Ile42Asn (NM_001363526.1); c.32T>A, p.Ile11Asn (NM_001363527.1); short protein forms I11N, I52N, I42N.
Identifiers: ClinVar variation 3692440 (VCV003692440.2).

ClinVar aggregate classification (germline): Uncertain significance (1 of 4 stars; one submission).

Conditions:
Disseminated atypical mycobacterial infection. Identifiers: MedGen C0694566.

gnomAD v4.1: 2 of 1,613,904 alleles (0.00012%); highest among the groups gnomAD compares: Non-Finnish European, 0.00017%; no homozygotes.

Submission:

Labcorp Genetics (formerly Invitae), Labcorp
Classification: Uncertain significance for Disseminated atypical mycobacterial infection. Last evaluated: 2024-05-31. Review status: criteria provided, single submitter. Criteria: Invitae Variant Classification Sherloc (09022015). Collection method: clinical testing. Allele origin: germline.
Comment: This sequence change replaces isoleucine, which is neutral and non-polar, with asparagine, which is neutral and polar, at codon 52 of the IFNGR1 protein (p.Ile52Asn). This variant is not present in population databases (gnomAD no frequency). This variant has not been reported in the literature in individuals affected with IFNGR1-related conditions. Advanced modeling of protein sequence and biophysical properties (such as structural, functional, and spatial information, amino acid conservation, physicochemical variation, residue mobility, and thermodynamic stability) performed at Invitae indicates that this missense variant is not expected to disrupt IFNGR1 protein function with a negative predictive value of 80%. In summary, the available evidence is currently insufficient to determine the role of this variant in disease. Therefore, it has been classified as a Variant of Uncertain Significance.